The following is an entry in ClinVar:

ClinVar aggregate classification (germline): Uncertain significance (1 of 4 stars; one submission).

Conditions:
Maple syrup urine disease (MSUD). Identifiers: Orphanet 511, MedGen C0024776, MeSH D008375, MONDO:0009563. Disease mechanism: loss of function.

Submission:

Labcorp Genetics (formerly Invitae), Labcorp
Classification: Uncertain significance for Maple syrup urine disease. Last evaluated: 2022-06-04. Review status: criteria provided, single submitter. Criteria: Invitae Variant Classification Sherloc (09022015). Collection method: clinical testing. Allele origin: germline.
Comment: This sequence change falls in intron 9 of the BCKDHB gene. It does not directly change the encoded amino acid sequence of the BCKDHB protein. This variant is present in population databases (rs769307472, gnomAD 0.006%). This variant has not been reported in the literature in individuals affected with BCKDHB-related conditions. Algorithms developed to predict the effect of sequence changes on RNA splicing suggest that this variant may disrupt the consensus splice site. In summary, the available evidence is currently insufficient to determine the role of this variant in disease. Therefore, it has been classified as a Variant of Uncertain Significance.

NM_183050.4(BCKDHB):c.1039-10_1039-9del

Gene: BCKDHB (branched chain keto acid dehydrogenase E1 subunit beta; plus strand). Cytogenetic location: 6q14.1.
Variant type: Microsatellite.
Coding change: c.1039-10_1039-9del on transcript NM_183050.4 (MANE Select); 10 bases into the intron before coding-DNA position 1039 through 9 bases into the intron before coding-DNA position 1039, 2 bases deleted (CT; older notation c.1039-10_1039-9delCT).
Molecular consequence: intron variant.
Genome position (GRCh38, 1-based): chr6:80,343,654-80,343,655, CT deleted; deleting any 2 consecutive bases within chr6:80,343,652-80,343,655 gives the same sequence; the c. name uses the placement nearest the transcript's 3' end. VCF-style (leftmost placement, unchanged base first): chr6-80343651-ACT-A. GRCh37 (hg19) VCF-style: chr6-81053368-ACT-A.
Other names: c.829-10_829-9del (NM_001318975.1); c.1039-10_1039-9del (NM_000056.5).
Identifiers: ClinVar variation 2170397 (VCV002170397.1), dbSNP rs769307472, ClinGen allele CA3902848.
Genomic context (GRCh38, chr6:80,343,651, plus strand): 5'-TTTTAAGTTGCACTATTTCATTTCTGTGAGTAAAAAAAATTCTTGAAGTTAAGCATCCTG[ACT>A]CTGTCTGCAGGAGGAATGTTTCTTGAACCTAGAGGCTCCTATATCAAGAGTATGTGGTTA-3'